The following is an entry in ClinVar:

ClinVar aggregate classification (germline): Uncertain significance (1 of 4 stars; one submission).

Conditions:
KBG syndrome (KBGS). Also called: ANKRD11-Related KBG Syndrome. Identifiers: Orphanet 2332, MedGen C0220687, MONDO:0007846, OMIM 148050.

gnomAD v4.1: 5 of 1,613,970 alleles (0.00031%); highest among the groups gnomAD compares: Non-Finnish European, 0.00034%; no homozygotes.

Submission:

Labcorp Genetics (formerly Invitae), Labcorp
Classification: Uncertain significance for KBG syndrome. Last evaluated: 2024-11-27. Review status: criteria provided, single submitter. Criteria: Invitae Variant Classification Sherloc (09022015). Collection method: clinical testing. Allele origin: germline.
Comment: This sequence change replaces glutamic acid, which is acidic and polar, with glycine, which is neutral and non-polar, at codon 43 of the ANKRD11 protein (p.Glu43Gly). This variant is not present in population databases (gnomAD no frequency). This variant has not been reported in the literature in individuals affected with ANKRD11-related conditions. Invitae Evidence Modeling of protein sequence and biophysical properties (such as structural, functional, and spatial information, amino acid conservation, physicochemical variation, residue mobility, and thermodynamic stability) indicates that this missense variant is not expected to disrupt ANKRD11 protein function with a negative predictive value of 95%. In summary, the available evidence is currently insufficient to determine the role of this variant in disease. Therefore, it has been classified as a Variant of Uncertain Significance.

NM_013275.6(ANKRD11):c.128A>G (p.Glu43Gly)

Gene: ANKRD11 (ankyrin repeat domain 11; minus strand). Cytogenetic location: 16q24.3.
Variant type: single nucleotide variant.
Coding change: c.128A>G on transcript NM_013275.6 (MANE Select); coding-DNA position 128, A replaced by G.
Protein change: p.Glu43Gly; replaces glutamic acid 43 with glycine.
Molecular consequence: missense variant. On other transcripts: non-coding transcript variant (1).
Genome position (GRCh38, 1-based): chr16:89,305,304, T>C on the plus strand (A>G on the coding strand, the complement: ANKRD11 is on the minus strand). VCF-style: chr16-89305304-T-C. GRCh37 (hg19) VCF-style: chr16-89371712-T-C.
Other names: c.128A>G, p.Glu43Gly (NM_001256182.2, NM_001256183.2); short protein forms E43G.
Identifiers: ClinVar variation 3722750 (VCV003722750.2).